The following is an entry in ClinVar:

NM_001145026.2(PTPRQ):c.3401C>G (p.Ser1134Cys)

Gene: PTPRQ (protein tyrosine phosphatase receptor type Q; plus strand). Cytogenetic location: 12q21.31.
Variant type: single nucleotide variant.
Coding change: c.3401C>G on transcript NM_001145026.2 (MANE Select); coding-DNA position 3401, C replaced by G.
Protein change: p.Ser1134Cys; replaces serine 1134 with cysteine.
Molecular consequence: missense variant.
Genome position (GRCh38, 1-based): chr12:80,541,801, C>G. VCF-style: chr12-80541801-C-G. GRCh37 (hg19) VCF-style: chr12-80935580-C-G.
Other names: short protein forms S1134C.
Identifiers: ClinVar variation 2578073 (VCV002578073.23), dbSNP rs1175280460, ClinGen allele CA385874665.
Genomic context (GRCh38, chr12:80,541,801, plus strand): 5'-ATCTGGAAAAATACACTGATTATATATTAAAAATTACTCCATCAACAGAAAAGGGATTCT[C>G]TGATACCTATACTGCCCAGCTATACATCAAGACTGAAGAAGATGGTAGGCTAGACCCTTT-3'
Protein context (NP_001138498.1, residues 1124-1144): KITPSTEKGF[Ser1134Cys]DTYTAQLYIK

ClinVar aggregate classification (germline): Uncertain significance. Review status: criteria provided, multiple submitters, no conflicts (2 of 4 stars). 2 submissions from 2 submitters: Uncertain significance (2). Last evaluated 2024-02-01.

Allele frequency attached by ClinVar (database versions not stated): gnomAD 0.00001; gnomAD exomes 0.00001; TOPMed 0.00001.
gnomAD v4.1: 22 of 1,550,318 alleles (0.0014%); highest among the groups gnomAD compares: Non-Finnish European, 0.0018%; no homozygotes.

Submissions (2):

CeGaT Center for Human Genetics Tuebingen
Classification: Uncertain significance. Last evaluated: 2024-02-01. Review status: criteria provided, single submitter. Criteria: CeGaT Center For Human Genetics Tuebingen Variant Classification Criteria Version 2. Collection method: clinical testing. Allele origin: germline. Affected: yes. Observed: 1 variant allele.
Comment: PTPRQ: PM2, BP4

GeneDx
Classification: Uncertain significance. Last evaluated: 2023-03-02. Review status: criteria provided, single submitter. Criteria: GeneDx Variant Classification Process June 2021. Collection method: clinical testing. Allele origin: germline. Affected: yes.
Comment: Not observed at significant frequency in large population cohorts (gnomAD); In silico analysis supports that this missense variant has a deleterious effect on protein structure/function; Has not been previously published as pathogenic or benign to our knowledge